The following is an entry in ClinVar:

NM_002439.5(MSH3):c.1198G>A (p.Val400Ile)

Gene: MSH3 (mutS homolog 3; plus strand). Cytogenetic location: 5q14.1.
Variant type: single nucleotide variant.
Coding change: c.1198G>A on transcript NM_002439.5 (MANE Select); coding-DNA position 1198, G replaced by A.
Protein change: p.Val400Ile; replaces valine 400 with isoleucine.
Molecular consequence: missense variant.
Genome position (GRCh38, 1-based): chr5:80,678,951, G>A. VCF-style: chr5-80678951-G-A. GRCh37 (hg19) VCF-style: chr5-79974770-G-A.
Other names: short protein forms V400I.
Identifiers: ClinVar variation 2096187 (VCV002096187.4), dbSNP rs1749902892, ClinGen allele CA360268860.

ClinVar aggregate classification (germline): Uncertain significance (1 of 4 stars; one submission).

Submission:

Labcorp Genetics (formerly Invitae), Labcorp
Classification: Uncertain significance. Last evaluated: 2022-05-06. Review status: criteria provided, single submitter. Criteria: Invitae Variant Classification Sherloc (09022015). Collection method: clinical testing. Allele origin: germline.
Comment: Algorithms developed to predict the effect of missense changes on protein structure and function are either unavailable or do not agree on the potential impact of this missense change (SIFT: "Deleterious"; PolyPhen-2: "Benign"; Align-GVGD: "Class C25"). In summary, the available evidence is currently insufficient to determine the role of this variant in disease. Therefore, it has been classified as a Variant of Uncertain Significance. This variant has not been reported in the literature in individuals affected with MSH3-related conditions. This sequence change replaces valine, which is neutral and non-polar, with isoleucine, which is neutral and non-polar, at codon 400 of the MSH3 protein (p.Val400Ile). This variant is not present in population databases (gnomAD no frequency).